The following is an entry in ClinVar:

NM_000210.4(ITGA6):c.377del (p.Gly126fs)

Genes: ITGA6 (integrin subunit alpha 6; plus strand), PDK1-AS1 (PDK1 and ITGA6 antisense RNA 1; minus strand). Cytogenetic location: 2q31.1.
Variant type: Deletion.
Coding change: c.377del on transcript NM_000210.4 (MANE Select); coding-DNA position 377, one base deleted (G; older notation c.377delG).
Protein change: p.Gly126fs; shifts the reading frame from glycine 126.
Molecular consequence: frameshift variant.
Genome position (GRCh38, 1-based): chr2:172,467,550, G deleted; the last of 5 consecutive G bases (chr2:172,467,546-172,467,550); deleting any one gives the same sequence. VCF-style (leftmost placement, unchanged base first): chr2-172467545-AG-A. GRCh37 (hg19) VCF-style: chr2-173332273-AG-A.
Other names: c.377del, p.Gly126fs (NM_001079818.3, NM_001365529.2, NM_001365530.2 and 1 more transcripts); c.35del, p.Gly12fs (NM_001316306.2); short protein forms G12fs, G126fs.
Identifiers: ClinVar variation 2781938 (VCV002781938.3), dbSNP rs905875040, ClinGen allele CA60704671.

ClinVar aggregate classification (germline): Pathogenic (1 of 4 stars; one submission).

Submission:

Labcorp Genetics (formerly Invitae), Labcorp
Classification: Pathogenic. Last evaluated: 2023-11-02. Review status: criteria provided, single submitter. Criteria: Invitae Variant Classification Sherloc (09022015). Collection method: clinical testing. Allele origin: germline.
Comment: This sequence change creates a premature translational stop signal (p.Gly126Alafs*4) in the ITGA6 gene. It is expected to result in an absent or disrupted protein product. Loss-of-function variants in ITGA6 are known to be pathogenic (PMID: 9158140, 9185503, 9804362, 27607025). This variant is not present in population databases (gnomAD no frequency). This variant has not been reported in the literature in individuals affected with ITGA6-related conditions. For these reasons, this variant has been classified as Pathogenic.

Literature cited by the submitters: PubMed 9158140; PubMed 9185503; PubMed 9804362; PubMed 27607025.